The following is an entry in ClinVar:

ClinVar aggregate classification (germline): Uncertain significance (1 of 4 stars; one submission).

Submission:

Labcorp Genetics (formerly Invitae), Labcorp
Classification: Uncertain significance. Last evaluated: 2024-03-28. Review status: criteria provided, single submitter. Criteria: Invitae Variant Classification Sherloc (09022015). Collection method: clinical testing. Allele origin: germline.
Comment: This sequence change affects codon 5 of the OR2W3 mRNA. It is a 'silent' change, meaning that it does not change the encoded amino acid sequence of the OR2W3 protein. This variant is not present in population databases (gnomAD no frequency). This variant has not been reported in the literature in individuals affected with OR2W3-related conditions. Experimental studies and prediction algorithms are not available or were not evaluated, and the functional significance of this variant is currently unknown. In summary, the available evidence is currently insufficient to determine the role of this variant in disease. Therefore, it has been classified as a Variant of Uncertain Significance.

NM_001001957.2(OR2W3):c.15T>C (p.Asn5=)

Gene: OR2W3 (olfactory receptor family 2 subfamily W member 3; plus strand). Cytogenetic location: 1q44.
Variant type: single nucleotide variant.
Coding change: c.15T>C on transcript NM_001001957.2 (MANE Select); coding-DNA position 15, T replaced by C.
Protein change: p.Asn5=; no amino-acid change (asparagine 5 retained).
Molecular consequence: synonymous variant.
Genome position (GRCh38, 1-based): chr1:247,895,601, T>C. VCF-style: chr1-247895601-T-C. GRCh37 (hg19) VCF-style: chr1-248058903-T-C.
Identifiers: ClinVar variation 3648049 (VCV003648049.2).
Genomic context (GRCh38, chr1:247,895,601, plus strand): 5'-TTATTATTATTATTAGGATTGATATTTCTGTTCAGCAGCAGTAGAGATGGATGGAACCAA[T>C]GGCAGCACCCAAACCCATTTCATCCTACTGGGATTCTCTGACCGACCCCATCTGGAGAGG-3'
Protein context (NP_001001957.2, residues 1-15): MDGT[Asn5=]GSTQTHFILL